The following is an entry in ClinVar:

ClinVar aggregate classification (germline): Uncertain significance (1 of 4 stars; one submission).

Conditions:
Dilated cardiomyopathy 1J (CMD1J). Also called: CARDIOMYOPATHY, DILATED, WITH SENSORINEURAL HEARING LOSS, AUTOSOMAL DOMINANT. Identifiers: Orphanet 217622, MedGen C1854368, MONDO:0011541, OMIM 605362.

Allele frequency attached by ClinVar (database versions not stated): gnomAD exomes below 0.00001; ExAC 0.00001; gnomAD 0.00001; TOPMed 0.00002.
gnomAD v4.1: 7 of 1,613,484 alleles (0.00043%); highest among the groups gnomAD compares: South Asian, 0.0022%; no homozygotes.

Submission:

Labcorp Genetics (formerly Invitae), Labcorp
Classification: Uncertain significance for Dilated cardiomyopathy 1J. Last evaluated: 2025-07-14. Review status: criteria provided, single submitter. Criteria: Invitae Variant Classification Sherloc (09022015). Collection method: clinical testing. Allele origin: germline.
Comment: This sequence change replaces threonine, which is neutral and polar, with methionine, which is neutral and non-polar, at codon 111 of the EYA4 protein (p.Thr111Met). This variant is present in population databases (rs772111281, gnomAD 0.003%). This variant has not been reported in the literature in individuals affected with EYA4-related conditions. ClinVar contains an entry for this variant (Variation ID: 1371319). An algorithm developed to predict the effect of missense changes on protein structure and function (PolyPhen-2) suggests that this variant is likely to be disruptive. In summary, the available evidence is currently insufficient to determine the role of this variant in disease. Therefore, it has been classified as a Variant of Uncertain Significance.

NM_004100.5(EYA4):c.332C>T (p.Thr111Met)

Gene: EYA4 (EYA transcriptional coactivator and phosphatase 4; plus strand). Cytogenetic location: 6q23.2.
Variant type: single nucleotide variant.
Coding change: c.332C>T on transcript NM_004100.5 (MANE Select); coding-DNA position 332, C replaced by T.
Protein change: p.Thr111Met; replaces threonine 111 with methionine.
Molecular consequence: missense variant. On other transcripts: intron variant (2).
Genome position (GRCh38, 1-based): chr6:133,456,610, C>T. VCF-style: chr6-133456610-C-T. GRCh37 (hg19) VCF-style: chr6-133777748-C-T.
Other names: c.332C>T, p.Thr111Met (NM_001301013.2, NM_172105.4); c.263C>T, p.Thr88Met (NM_001370458.1, NM_172103.4); c.209-4504C>T (NM_001370459.1, NM_001301012.2); short protein forms T88M, T111M.
Identifiers: ClinVar variation 1371319 (VCV001371319.8), dbSNP rs772111281, ClinGen allele CA4008015.
Genomic context (GRCh38, chr6:133,456,610, plus strand): 5'-ACGTAGTGTCTCTTCTTGCAGTCAAAACAGAGCCCTTGAACAGCAGTGAAACCACAGCCA[C>T]GACTGGAGATGGAGCGCTTGACACTTTTACTGGGTCAGGTAAAGCCTTTAGCTCGTGTGT-3'
Protein context (NP_004091.3, residues 101-121): EPLNSSETTA[Thr111Met]TGDGALDTFT